The following is an entry in ClinVar:

NM_001145809.2(MYH14):c.1382G>A (p.Arg461His)

Gene: MYH14 (myosin heavy chain 14; plus strand). Cytogenetic location: 19q13.33.
Variant type: single nucleotide variant.
Coding change: c.1382G>A on transcript NM_001145809.2 (MANE Select); coding-DNA position 1382, G replaced by A.
Protein change: p.Arg461His; replaces arginine 461 with histidine.
Molecular consequence: missense variant.
Genome position (GRCh38, 1-based): chr19:50,249,039, G>A. VCF-style: chr19-50249039-G-A. GRCh37 (hg19) VCF-style: chr19-50752296-G-A.
Other names: p.Arg453His; c.1382G>A, p.Arg461His (NM_001077186.2); c.1358G>A, p.Arg453His (NM_024729.4); short protein forms R461H, R453H.
Identifiers: ClinVar variation 44048 (VCV000044048.14), dbSNP rs370353590, ClinGen allele CA133461.

ClinVar aggregate classification (germline): Uncertain significance. Review status: criteria provided, multiple submitters, no conflicts (2 of 4 stars). 4 submissions from 4 submitters: Uncertain significance (4). Last evaluated 2024-10-28.

Allele frequency attached by ClinVar (database versions not stated): TOPMed 0.00002.
gnomAD v4.1: 20 of 1,613,176 alleles (0.0012%); highest among the groups gnomAD compares: East Asian, 0.016%; no homozygotes.

Submissions (4):

Labcorp Genetics (formerly Invitae), Labcorp
Classification: Uncertain significance. Last evaluated: 2024-10-28. Review status: criteria provided, single submitter. Criteria: Invitae Variant Classification Sherloc (09022015). Collection method: clinical testing. Allele origin: germline.
Comment: This sequence change replaces arginine, which is basic and polar, with histidine, which is basic and polar, at codon 453 of the MYH14 protein (p.Arg453His). This variant is present in population databases (rs370353590, gnomAD 0.02%). This variant has not been reported in the literature in individuals affected with MYH14-related conditions. ClinVar contains an entry for this variant (Variation ID: 44048). Invitae Evidence Modeling of protein sequence and biophysical properties (such as structural, functional, and spatial information, amino acid conservation, physicochemical variation, residue mobility, and thermodynamic stability) indicates that this missense variant is not expected to disrupt MYH14 protein function with a negative predictive value of 80%. In summary, the available evidence is currently insufficient to determine the role of this variant in disease. Therefore, it has been classified as a Variant of Uncertain Significance.

Mayo Clinic Laboratories, Mayo Clinic
Classification: Uncertain significance. Last evaluated: 2024-05-24. Review status: criteria provided, single submitter. Criteria: ACMG Guidelines, 2015. Collection method: clinical testing. Allele origin: germline. Observed: 1 variant allele.
Comment: BS2

GeneDx
Classification: Uncertain significance. Last evaluated: 2024-04-01. Review status: criteria provided, single submitter. Criteria: GeneDx Variant Classification Process June 2021. Collection method: clinical testing. Allele origin: germline. Affected: yes.
Comment: Has not been previously published as pathogenic or benign to our knowledge; In silico analysis supports that this missense variant has a deleterious effect on protein structure/function

Laboratory for Molecular Medicine, Mass General Brigham Personalized Medicine
Classification: Uncertain significance. Last evaluated: 2016-12-13. Review status: criteria provided, single submitter. Criteria: LMM Criteria. Collection method: clinical testing. Allele origin: germline. Observed: 4 variant alleles.
Comment: Variant classified as Uncertain Significance - Favor Benign. The p.Arg461His var iant in MYH14 has been identified by our laboratory in 2 individuals with modera te sensorineural hearing loss, but it did not segregate with hearing loss in an affected family member. This variant has also been identified in 2/7738 East Asi an chromosomes by the Exome Aggregation Consortium (ExAC; dbSNP rs370353590); however its frequency is not high enough to rule o ut a pathogenic role. Computational prediction tools and conservation analyses s uggest that this variant may impact the protein, though this information is not predictive enough to determine pathogenicity. In summary, while the clinical sig nificance of the p.Arg461His variant is uncertain, the nonsegregation event sugg ests that it is more likely to be benign.